The following is an entry in ClinVar:

ClinVar aggregate classification (germline): Pathogenic/Likely pathogenic. Review status: criteria provided, multiple submitters, no conflicts (2 of 4 stars). 2 submissions from 2 submitters: Pathogenic (1); Likely pathogenic (1). Last evaluated 2025-04-28.

Conditions:
Holocarboxylase synthetase deficiency. Also called: MULTIPLE CARBOXYLASE DEFICIENCY, EARLY ONSET. Identifiers: Orphanet 79242, MedGen C0268581, MONDO:0009666, OMIM 253270.

Submissions (2):

Natera, Inc.
Classification: Likely pathogenic for Holocarboxylase synthetase deficiency. Last evaluated: 2025-04-28. Review status: criteria provided, single submitter. Criteria: Natera Variant Classification Schema (03/2026). Collection method: clinical testing. Allele origin: germline.
Comment: The c.1111del variant in HLCS is a frameshift variant predicted to shift the reading frame beginning at codon 372 and leads to a stop codon 6 codons downstream. This variant is expected to result in nonsense mediated decay, truncation, or a dysfunctional protein product. This variant is rare in the general population with a frequency below the threshold expected for the associated phenotype(s). Given the available evidence, this variant is classified as Likely Pathogenic.

Labcorp Genetics (formerly Invitae), Labcorp
Classification: Pathogenic for Holocarboxylase synthetase deficiency. Last evaluated: 2022-04-04. Review status: criteria provided, single submitter. Criteria: Invitae Variant Classification Sherloc (09022015). Collection method: clinical testing. Allele origin: germline.
Comment: For these reasons, this variant has been classified as Pathogenic. ClinVar contains an entry for this variant (Variation ID: 862161). This variant has not been reported in the literature in individuals affected with HLCS-related conditions. This variant is not present in population databases (gnomAD no frequency). This sequence change creates a premature translational stop signal (p.Gly372Alafs*6) in the HLCS gene. It is expected to result in an absent or disrupted protein product. Loss-of-function variants in HLCS are known to be pathogenic (PMID: 16134170).

Literature cited by the submitters: PubMed 16134170 (cited by Labcorp Genetics (formerly Invitae), Labcorp).

NM_001352514.2(HLCS):c.1552del (p.Gly519fs)

Gene: HLCS (holocarboxylase synthetase; minus strand). Cytogenetic location: 21q22.13.
Variant type: Deletion.
Coding change: c.1552del on transcript NM_001352514.2 (MANE Select); coding-DNA position 1552, one base deleted (C; older notation c.1552delC).
Protein change: p.Gly519fs; shifts the reading frame from glycine 519.
Molecular consequence: frameshift variant. On other transcripts: non-coding transcript variant (2).
Genome position (GRCh38, 1-based): chr21:36,930,319, G deleted on the plus strand (C on the coding strand, the reverse complement: HLCS is on the minus strand); the first of 3 consecutive G bases (chr21:36,930,319-36,930,321); deleting any one gives the same sequence. VCF-style (leftmost placement, unchanged base first): chr21-36930318-AG-A. GRCh37 (hg19) VCF-style: chr21-38302618-AG-A.
Other names: c.1111del, p.Gly372fs (NM_000411.8, NM_001242784.3, NM_001242785.2 and 4 more transcripts); c.1111del (NM_000411.7); short protein forms G372fs, G519fs.
Identifiers: ClinVar variation 862161 (VCV000862161.9), dbSNP rs1569206815, ClinGen allele CA916083777.